The following is an entry in ClinVar:

ClinVar aggregate classification (germline): Uncertain significance (1 of 4 stars; one submission).

Submission:

Labcorp Genetics (formerly Invitae), Labcorp
Classification: Uncertain significance. Last evaluated: 2022-09-08. Review status: criteria provided, single submitter. Criteria: Invitae Variant Classification Sherloc (09022015). Collection method: clinical testing. Allele origin: germline.
Comment: This sequence change replaces serine, which is neutral and polar, with arginine, which is basic and polar, at codon 683 of the FN1 protein (p.Ser683Arg). This variant is not present in population databases (gnomAD no frequency). This variant has not been reported in the literature in individuals affected with FN1-related conditions. In summary, the available evidence is currently insufficient to determine the role of this variant in disease. Therefore, it has been classified as a Variant of Uncertain Significance. Advanced modeling of protein sequence and biophysical properties (such as structural, functional, and spatial information, amino acid conservation, physicochemical variation, residue mobility, and thermodynamic stability) has been performed at Invitae for this missense variant, however the output from this modeling did not meet the statistical confidence thresholds required to predict the impact of this variant on FN1 protein function.

NM_212482.4(FN1):c.2049C>G (p.Ser683Arg)

Gene: FN1 (fibronectin 1; minus strand). Cytogenetic location: 2q35.
Variant type: single nucleotide variant.
Coding change: c.2049C>G on transcript NM_212482.4 (MANE Select); coding-DNA position 2049, C replaced by G.
Protein change: p.Ser683Arg; replaces serine 683 with arginine.
Molecular consequence: missense variant.
Genome position (GRCh38, 1-based): chr2:215,410,007, G>C on the plus strand (C>G on the coding strand, the complement: FN1 is on the minus strand). VCF-style: chr2-215410007-G-C. GRCh37 (hg19) VCF-style: chr2-216274730-G-C.
Other names: c.2049C>G, p.Ser683Arg (NM_001306129.2, NM_001306130.2, NM_001306131.2 and 13 more transcripts); short protein forms S683R.
Identifiers: ClinVar variation 1718924 (VCV001718924.5), dbSNP rs1440335159, ClinGen allele CA350491986.